The following is an entry in ClinVar:

NM_006218.4(PIK3CA):c.560A>C (p.Lys187Thr)

Gene: PIK3CA (phosphatidylinositol-4,5-bisphosphate 3-kinase catalytic subunit alpha; plus strand). Cytogenetic location: 3q26.32.
Variant type: single nucleotide variant.
Coding change: c.560A>C on transcript NM_006218.4 (MANE Select); coding-DNA position 560, A replaced by C.
Protein change: p.Lys187Thr; replaces lysine 187 with threonine.
Molecular consequence: missense variant.
Genome position (GRCh38, 1-based): chr3:179,199,897, A>C. VCF-style: chr3-179199897-A-C. GRCh37 (hg19) VCF-style: chr3-178917685-A-C.
Other names: c.560A>C (LRG_310t1); short protein forms K187T.
Identifiers: ClinVar variation 526638 (VCV000526638.12), dbSNP rs1553820520, ClinGen allele CA355275069.

ClinVar aggregate classification (germline): Conflicting classifications of pathogenicity. Review status: criteria provided, conflicting classifications (1 of 4 stars). 3 submissions from 3 submitters: Uncertain significance (2); Likely benign (1). Last evaluated 2023-10-15.

Conditions:
Cowden syndrome (CS). Also called: Cowden's disease; Cowden's syndrome; Cowden disease. Identifiers: Orphanet 201, MedGen C0018553, MONDO:0016063. Disease mechanism: gain of function.
Inborn genetic diseases. Identifiers: MedGen C0950123, MeSH D030342.

Allele frequency attached by ClinVar (database versions not stated): gnomAD exomes 0.00001.
gnomAD v4.1: 11 of 1,563,730 alleles (0.0007%); highest among the groups gnomAD compares: Non-Finnish European, 0.00097%; no homozygotes.

Submissions (3):

Ambry Genetics
Classification: Uncertain significance for Inborn genetic diseases. Last evaluated: 2023-10-15. Review status: criteria provided, single submitter. Criteria: Ambry Variant Classification Scheme 2023. Collection method: clinical testing. Allele origin: germline.
Comment: The p.K187T variant (also known as c.560A>C), located in coding exon 2 of the PIK3CA gene, results from an A to C substitution at nucleotide position 560. The lysine at codon 187 is replaced by threonine, an amino acid with similar properties. This amino acid position is conserved. In addition, the in silico prediction for this alteration is inconclusive. Since supporting evidence is limited at this time, the clinical significance of this alteration remains unclear.

Blueprint Genetics
Classification: Likely benign. Last evaluated: 2023-04-12. Review status: criteria provided, single submitter. Criteria: ACMG Guidelines, 2015. Collection method: clinical testing. Allele origin: germline.

Labcorp Genetics (formerly Invitae), Labcorp
Classification: Uncertain significance for Cowden syndrome. Last evaluated: 2018-02-06. Review status: criteria provided, single submitter. Criteria: Invitae Variant Classification Sherloc (09022015). Collection method: clinical testing. Allele origin: germline.
Comment: In summary, the available evidence is currently insufficient to determine the role of this variant in disease. Therefore, it has been classified as a Variant of Uncertain Significance. Algorithms developed to predict the effect of missense changes on protein structure and function do not agree on the potential impact of this missense change (SIFT: "Deleterious"; PolyPhen-2: "Possibly Damaging"; Align-GVGD: "Class C0"). This variant has not been reported in the literature in individuals with PIK3CA-related disease. This variant is not present in population databases (ExAC no frequency). This sequence change replaces lysine with threonine at codon 187 of the PIK3CA protein (p.Lys187Thr). The lysine residue is highly conserved and there is a moderate physicochemical difference between lysine and threonine.